The following is an entry in ClinVar:

ClinVar aggregate classification (germline): Conflicting classifications of pathogenicity. Review status: criteria provided, conflicting classifications (1 of 4 stars). 4 submissions from 4 submitters: Uncertain significance (3); Likely benign (1). Last evaluated 2025-10-06.

Conditions:
Inborn genetic diseases. Identifiers: MedGen C0950123, MeSH D030342.
SLC24A1-related disorder. Also called: SLC24A1-related condition.

Allele frequency attached by ClinVar (database versions not stated): ESP Exome Variant Server 0.00008; gnomAD 0.00014 and 0.00015; TOPMed 0.00019.

Submissions (4):

PreventionGenetics, part of Exact Sciences
Classification: Uncertain significance for SLC24A1-related condition. Last evaluated: 2025-10-06. Review status: criteria provided, single submitter. Criteria: ACMG Guidelines, 2015. Collection method: clinical testing. Allele origin: germline.
Comment: The SLC24A1 c.1713G>A variant is predicted to result in the amino acid substitution p.Met571Ile. To our knowledge, this variant has not been reported in the literature. This variant is reported in 0.066% of alleles in individuals of African descent in gnomAD, which may be too frequent to be a primary cause of disease. Although we suspect that this variant may be benign, at this time, the clinical significance of this variant is uncertain due to the absence of conclusive functional and genetic evidence.

Ambry Genetics
Classification: Uncertain significance for Inborn genetic diseases. Last evaluated: 2025-08-26. Review status: criteria provided, single submitter. Criteria: Ambry Variant Classification Scheme 2023. Collection method: clinical testing. Allele origin: germline.

Labcorp Genetics (formerly Invitae), Labcorp
Classification: Uncertain significance. Last evaluated: 2025-03-31. Review status: criteria provided, single submitter. Criteria: Invitae Variant Classification Sherloc (09022015). Collection method: clinical testing. Allele origin: germline.
Comment: This sequence change replaces methionine, which is neutral and non-polar, with isoleucine, which is neutral and non-polar, at codon 571 of the SLC24A1 protein (p.Met571Ile). This variant is present in population databases (rs376378474, gnomAD 0.07%). This variant has not been reported in the literature in individuals affected with SLC24A1-related conditions. ClinVar contains an entry for this variant (Variation ID: 1035338). An algorithm developed to predict the effect of missense changes on protein structure and function (PolyPhen-2) suggests that this variant is likely to be tolerated. In summary, the available evidence is currently insufficient to determine the role of this variant in disease. Therefore, it has been classified as a Variant of Uncertain Significance.

Blueprint Genetics
Classification: Likely benign. Last evaluated: 2022-06-13. Review status: criteria provided, single submitter. Criteria: ACMG Guidelines, 2015. Collection method: clinical testing. Allele origin: germline.

NM_004727.3(SLC24A1):c.1713G>A (p.Met571Ile)

Gene: SLC24A1 (solute carrier family 24 member 1; plus strand). Cytogenetic location: 15q22.31.
Variant type: single nucleotide variant.
Coding change: c.1713G>A on transcript NM_004727.3 (MANE Select); coding-DNA position 1713, G replaced by A.
Protein change: p.Met571Ile; replaces methionine 571 with isoleucine.
Molecular consequence: missense variant.
Genome position (GRCh38, 1-based): chr15:65,625,793, G>A. VCF-style: chr15-65625793-G-A. GRCh37 (hg19) VCF-style: chr15-65918131-G-A.
Other names: c.1713G>A (NM_004727.2); c.1713G>A, p.Met571Ile (NM_001301031.1, NM_001301032.1, NM_001301033.2); short protein forms M571I.
Identifiers: ClinVar variation 1035338 (VCV001035338.11), dbSNP rs376378474, ClinGen allele CA7619961.